The following is an entry in ClinVar:

ClinVar aggregate classification (germline): Benign/Likely benign. Review status: criteria provided, multiple submitters, no conflicts (2 of 4 stars). 2 submissions from 2 submitters: Benign (1); Likely benign (1). Last evaluated 2025-04-30.

Conditions:
Kabuki syndrome. Also called: Kabuki make-up syndrome; NIIKAWA-KUROKI SYNDROME. Identifiers: Orphanet 2322, MedGen C0796004, MONDO:0016512.
KMT2D-related disorder. Also called: KMT2D-Related Disorders.

Allele frequency attached by ClinVar (database versions not stated): gnomAD 0.00001; gnomAD exomes 0.00001; TOPMed 0.00002; ExAC 0.00006.
gnomAD v4.1: 22 of 1,613,886 alleles (0.0014%); highest among the groups gnomAD compares: East Asian, 0.0045%; no homozygotes.

Submissions (2):

PreventionGenetics, part of Exact Sciences
Classification: Likely benign for KMT2D-related condition. Last evaluated: 2025-04-30. Review status: criteria provided, single submitter. Criteria: ACMG Guidelines, 2015. Collection method: clinical testing. Allele origin: germline.
Comment: This variant is classified as likely benign based on ACMG/AMP sequence variant interpretation guidelines (Richards et al. 2015 PMID: 25741868, with internal and published modifications).

Labcorp Genetics (formerly Invitae), Labcorp
Classification: Benign for Kabuki syndrome. Last evaluated: 2023-04-21. Review status: criteria provided, single submitter. Criteria: Invitae Variant Classification Sherloc (09022015). Collection method: clinical testing. Allele origin: germline.

NM_003482.4(KMT2D):c.15359G>A (p.Arg5120His)

Gene: KMT2D (lysine methyltransferase 2D; minus strand). Cytogenetic location: 12q13.12.
Variant type: single nucleotide variant.
Coding change: c.15359G>A on transcript NM_003482.4 (MANE Select); coding-DNA position 15359, G replaced by A.
Protein change: p.Arg5120His; replaces arginine 5120 with histidine.
Molecular consequence: missense variant.
Genome position (GRCh38, 1-based): chr12:49,026,607, C>T on the plus strand (G>A on the coding strand, the complement: KMT2D is on the minus strand). VCF-style: chr12-49026607-C-T. GRCh37 (hg19) VCF-style: chr12-49420390-C-T.
Other names: short protein forms R5120H.
Identifiers: ClinVar variation 2064566 (VCV002064566.5), dbSNP rs767486251, ClinGen allele CA6545575.